The following is an entry in ClinVar:

NM_000045.4(ARG1):c.306-1del

Genes: ARG1 (arginase 1; plus strand), MED23 (mediator complex subunit 23; minus strand). Cytogenetic location: 6q23.2.
Variant type: Deletion.
Coding change: c.306-1del on transcript NM_000045.4 (MANE Select); the canonical splice acceptor site of the intron before coding-DNA position 306, one base deleted (G; older notation c.306-1delG).
Molecular consequence: splice acceptor variant. On other transcripts: intron variant (3).
Genome position (GRCh38, 1-based): chr6:131,581,218, G deleted. VCF-style (leftmost placement, unchanged base first): chr6-131581217-AG-A. GRCh37 (hg19) VCF-style: chr6-131902357-AG-A.
Other names: c.330-1del (NM_001244438.2); c.306-1842del (NM_001369020.1); c.4077+6491del (NM_001270521.2); c.4095+6491del (NM_015979.4).
Identifiers: ClinVar variation 1927124 (VCV001927124.4), dbSNP rs2482368035, ClinGen allele CA2580075111.

ClinVar aggregate classification (germline): Likely pathogenic (1 of 4 stars; one submission).

Conditions:
Arginase deficiency. Also called: ARGININEMIA; ARG1 DEFICIENCY; Arginase 1 Deficiency. Identifiers: Orphanet 90, MedGen C0268548, MONDO:0008814, OMIM 207800.

Submission:

Labcorp Genetics (formerly Invitae), Labcorp
Classification: Likely pathogenic for Arginase deficiency. Last evaluated: 2022-06-13. Review status: criteria provided, single submitter. Criteria: Invitae Variant Classification Sherloc (09022015). Collection method: clinical testing. Allele origin: germline.
Comment: This sequence change affects a splice site in intron 3 of the ARG1 gene. It is expected to disrupt RNA splicing. Variants that disrupt the donor or acceptor splice site typically lead to a loss of protein function (PMID: 16199547), and loss-of-function variants in ARG1 are known to be pathogenic (PMID: 7649538, 12052859). This variant is not present in population databases (gnomAD no frequency). In summary, the currently available evidence indicates that the variant is pathogenic, but additional data are needed to prove that conclusively. Therefore, this variant has been classified as Likely Pathogenic. Algorithms developed to predict the effect of sequence changes on RNA splicing suggest that this variant may disrupt the consensus splice site. This variant has not been reported in the literature in individuals affected with ARG1-related conditions.

Literature cited by the submitters: PubMed 16199547; PubMed 7649538; PubMed 12052859.